The following is an entry in ClinVar:

ClinVar aggregate classification (germline): Pathogenic (1 of 4 stars; one submission).

Conditions:
Werner syndrome (WRN). Identifiers: Orphanet 902, MedGen C0043119, MONDO:0010196, OMIM 277700.

Submission:

Labcorp Genetics (formerly Invitae), Labcorp
Classification: Pathogenic for Werner syndrome. Last evaluated: 2023-04-26. Review status: criteria provided, single submitter. Criteria: Invitae Variant Classification Sherloc (09022015). Collection method: clinical testing. Allele origin: unknown.
Comment: For these reasons, this variant has been classified as Pathogenic. This variant has not been reported in the literature in individuals affected with WRN-related conditions. This variant is a gross deletion of the genomic region encompassing exon(s) 31-32 of the WRN gene. This deletion is out-of-frame, and is expected to create a premature termination codon and result in an absent or disrupted protein product. Loss-of-function variants in WRN are known to be pathogenic (PMID: 16673358).

Literature cited by the submitters: PubMed 16673358.

NC_000008.10:g.(?_31007847)_(31012281_?)del

Gene: WRN (WRN RecQ like helicase; plus strand). Cytogenetic location: 8p12.
Variant type: Deletion.
Identifiers: ClinVar variation 3245419 (VCV003245419.1).